The following is an entry in ClinVar:

ClinVar aggregate classification (germline): Conflicting classifications of pathogenicity. Review status: criteria provided, conflicting classifications (1 of 4 stars). 5 submissions from 5 submitters: Likely pathogenic (1); Uncertain significance (4). Last evaluated 2026-01-06.

Conditions:
Progressive sclerosing poliodystrophy (MTDPS4A). Also called: Alpers Syndrome; Mitochondrial DNA depletion syndrome 4A (Alpers type); Mitochondrial DNA Depletion Syndrome 4A; Alpers-Huttenlocher Syndrome (AHS); ALPERS PROGRESSIVE INFANTILE POLIODYSTROPHY; ALPERS DIFFUSE DEGENERATION OF CEREBRAL GRAY MATTER WITH HEPATIC CIRRHOSIS. Identifiers: Orphanet 726, MedGen C0205710, MONDO:0008758, OMIM 203700.

Allele frequency attached by ClinVar (database versions not stated): gnomAD exomes 0.00001 and 0.00002; ExAC 0.00003; gnomAD 0.00003; TOPMed 0.00005.
gnomAD v4.1: 12 of 1,614,036 alleles (0.00074%); highest among the groups gnomAD compares: African/African-American, 0.0027%; no homozygotes.

Submissions (5):

Women's Health and Genetics/Laboratory Corporation of America, LabCorp
Classification: Uncertain significance. Last evaluated: 2026-01-06. Review status: criteria provided, single submitter. Criteria: LabCorp Variant Classification Summary - May 2015. Collection method: clinical testing. Allele origin: germline.
Comment: Variant summary: POLG c.3526T>C (p.Ser1176Pro) results in a non-conservative amino acid change in the encoded protein sequence. Algorithms developed to predict the effect of missense changes on protein structure and function all suggest that this variant is likely to be disruptive. The variant allele was found at a frequency of 2e-05 in 251486 control chromosomes. The available data on variant occurrences in the general population are insufficient to allow any conclusion about variant significance. To our knowledge, no occurrence of c.3526T>C in individuals affected with POLG-related conditions and no experimental evidence demonstrating its impact on protein function have been reported. A different variant affecting the same codon has been classified as likely pathogenic by our lab (c.3527C>T, p.Ser1176Leu), supporting the critical relevance of codon 1176 to POLG protein function. ClinVar contains an entry for this variant (Variation ID: 619338). Based on the evidence outlined above, the variant was classified as uncertain significance.

GeneDx
Classification: Uncertain significance. Last evaluated: 2024-12-12. Review status: criteria provided, single submitter. Criteria: GeneDx Variant Classification Process June 2021. Collection method: clinical testing. Allele origin: germline. Affected: yes.
Comment: Not observed at significant frequency in large population cohorts (gnomAD); In silico analysis supports that this missense variant has a deleterious effect on protein structure/function; Has not been previously published as pathogenic or benign to our knowledge

Labcorp Genetics (formerly Invitae), Labcorp
Classification: Uncertain significance for Progressive sclerosing poliodystrophy. Last evaluated: 2024-07-23. Review status: criteria provided, single submitter. Criteria: Invitae Variant Classification Sherloc (09022015). Collection method: clinical testing. Allele origin: germline.
Comment: This sequence change replaces serine, which is neutral and polar, with proline, which is neutral and non-polar, at codon 1176 of the POLG protein (p.Ser1176Pro). This variant is present in population databases (rs763205408, gnomAD 0.005%). This variant has not been reported in the literature in individuals affected with POLG-related conditions. ClinVar contains an entry for this variant (Variation ID: 619338). Advanced modeling of protein sequence and biophysical properties (such as structural, functional, and spatial information, amino acid conservation, physicochemical variation, residue mobility, and thermodynamic stability) performed at Invitae indicates that this missense variant is expected to disrupt POLG protein function with a positive predictive value of 95%. In summary, the available evidence is currently insufficient to determine the role of this variant in disease. Therefore, it has been classified as a Variant of Uncertain Significance.

Blueprint Genetics
Classification: Uncertain significance. Last evaluated: 2021-09-21. Review status: criteria provided, single submitter. Criteria: ACMG Guidelines, 2015. Collection method: clinical testing. Allele origin: germline.

Wong Mito Lab, Molecular and Human Genetics, Baylor College of Medicine
Classification: Likely pathogenic for Progressive sclerosing poliodystrophy. Last evaluated: 2018-10-01. Review status: criteria provided, single submitter. Criteria: ACMG Guidelines, 2015. Collection method: clinical testing. Allele origin: germline.
Comment: The NM_002693.2:c.3526T>C (NP_002684.1:p.Ser1176Pro) [GRCH38: NC_000015.10:g.89317493A>G] variant in POLG gene is interpretated to be a Likely Pathogenic based on ACMG guidelines (PMID: 25741868). This variant meets the following evidence codes reported in the ACMG-guideline. PS1:This variation causes same amino-acid change as an established pathogenic variant. PM2:This variant is absent in key population databases. PP2:This is a missense variant in POLG with a low rate of benign and high rate of pathogenic missense variations. PP3:Computational evidence/predictors indicate the variant has deleterious effect on POLG structure, function, or protein-protein interaction. Based on the evidence criteria codes applied, the variant is suggested to be Likely Pathogenic.

NM_002693.3(POLG):c.3526T>C (p.Ser1176Pro)

Gene: POLG (DNA polymerase gamma, catalytic subunit; minus strand). Cytogenetic location: 15q26.1.
Variant type: single nucleotide variant.
Coding change: c.3526T>C on transcript NM_002693.3 (MANE Select); coding-DNA position 3526, T replaced by C.
Protein change: p.Ser1176Pro; replaces serine 1176 with proline.
Molecular consequence: missense variant.
Genome position (GRCh38, 1-based): chr15:89,317,493, A>G on the plus strand (T>C on the coding strand, the complement: POLG is on the minus strand). VCF-style: chr15-89317493-A-G. GRCh37 (hg19) VCF-style: chr15-89860724-A-G.
Other names: c.3526T>C, p.Ser1176Pro (NM_001126131.2); short protein forms S1176P.
Identifiers: ClinVar variation 619338 (VCV000619338.11), dbSNP rs763205408, ClinGen allele CA7724104.